The following is an entry in ClinVar:

ClinVar aggregate classification (germline): Uncertain significance (1 of 4 stars; one submission).

Submission:

Labcorp Genetics (formerly Invitae), Labcorp
Classification: Uncertain significance. Last evaluated: 2025-12-11. Review status: criteria provided, single submitter. Criteria: Invitae Variant Classification Sherloc (09022015). Collection method: clinical testing. Allele origin: germline.
Comment: This variant, c.490_492del, results in the deletion of 1 amino acid(s) of the DHX32 protein (p.Asp164del), but otherwise preserves the integrity of the reading frame. This variant is not present in population databases (gnomAD no frequency). This variant has not been reported in the literature in individuals affected with DHX32-related conditions. Experimental studies and prediction algorithms are not available or were not evaluated, and the functional significance of this variant is currently unknown. In summary, the available evidence is currently insufficient to determine the role of this variant in disease. Therefore, it has been classified as a Variant of Uncertain Significance.

NM_018180.3(DHX32):c.487GAT[1] (p.Asp164del)

Gene: DHX32 (DEAH-box helicase 32 (putative); minus strand). Cytogenetic location: 10q26.2.
Variant type: Microsatellite.
Coding change: c.487GAT[1] on transcript NM_018180.3 (MANE Select); one copy of the 3-base unit GAT starting at c.487; the reference has two copies in a row; one copy, 3 bases deleted.
Protein change: p.Asp164del; deletes aspartic acid 164.
Genome position (GRCh38, 1-based): chr10:125,859,960-125,859,962, ATC deleted on the plus strand (GAT on the coding strand, the reverse complement: DHX32 is on the minus strand); deleting any 3 consecutive bases within chr10:125,859,960-125,859,966 gives the same sequence; the position shown is the placement nearest the transcript's 3' end. VCF-style (leftmost placement, unchanged base first): chr10-125859959-TATC-T. GRCh37 (hg19) VCF-style: chr10-127548528-TATC-T.
Other names: short protein forms D164del.
Identifiers: ClinVar variation 4775297 (VCV004775297.1).